The following is an entry in ClinVar:

ClinVar aggregate classification (germline): Uncertain significance (1 of 4 stars; one submission).

Conditions:
Neuropathy, hereditary sensory and autonomic, type 2A (HSAN2A). Also called: WNK1-Related HSAN2 (HSAN2A); HSAN IIA; NEUROPATHY, CONGENITAL SENSORY; MORVAN DISEASE; ACROOSTEOLYSIS, GIACCAI TYPE; ACROOSTEOLYSIS, NEUROGENIC. Identifiers: Orphanet 970, MedGen C2752089, MONDO:0024309, OMIM 201300.
Generalized epilepsy with febrile seizures plus, type 7 (GEFSP7). Also called: GEFS+, TYPE 7. Identifiers: Orphanet 36387, MedGen C2751778, MONDO:0013470, OMIM 613863.

Allele frequency attached by ClinVar (database versions not stated): gnomAD exomes below 0.00001 and 0.00001.
gnomAD v4.1: 4 of 1,595,598 alleles (0.00025%); highest among the groups gnomAD compares: Non-Finnish European, 0.00026%; no homozygotes.

Submission:

Labcorp Genetics (formerly Invitae), Labcorp
Classification: Uncertain significance for Neuropathy, hereditary sensory and autonomic, type 2A; Generalized epilepsy with febrile seizures plus, type 7. Last evaluated: 2018-11-20. Review status: criteria provided, single submitter. Criteria: Invitae Variant Classification Sherloc (09022015). Collection method: clinical testing. Allele origin: germline.
Comment: This variant is not present in population databases (ExAC no frequency). In summary, the available evidence is currently insufficient to determine the role of this variant in disease. Therefore, it has been classified as a Variant of Uncertain Significance. Algorithms developed to predict the effect of missense changes on protein structure and function are either unavailable or do not agree on the potential impact of this missense change (SIFT: "Deleterious"; PolyPhen-2: "Benign"; Align-GVGD: "Class C0"). This variant has not been reported in the literature in individuals with SCN9A-related disease. This sequence change replaces isoleucine with methionine at codon 118 of the SCN9A protein (p.Ile118Met). The isoleucine residue is highly conserved and there is a small physicochemical difference between isoleucine and methionine.

NM_001365536.1(SCN9A):c.354A>G (p.Ile118Met)

Gene: SCN9A (sodium voltage-gated channel alpha subunit 9; minus strand). Cytogenetic location: 2q24.3.
Variant type: single nucleotide variant.
Coding change: c.354A>G on transcript NM_001365536.1 (MANE Select); coding-DNA position 354, A replaced by G.
Protein change: p.Ile118Met; replaces isoleucine 118 with methionine.
Molecular consequence: missense variant.
Genome position (GRCh38, 1-based): chr2:166,306,979, T>C on the plus strand (A>G on the coding strand, the complement: SCN9A is on the minus strand). VCF-style: chr2-166306979-T-C. GRCh37 (hg19) VCF-style: chr2-167163489-T-C.
Other names: c.354A>G, p.Ile118Met (NM_002977.4); short protein forms I118M.
Identifiers: ClinVar variation 646989 (VCV000646989.9), dbSNP rs202014643, ClinGen allele CA59809472.